The following is an entry in ClinVar:

ClinVar aggregate classification (germline): Benign/Likely benign. Review status: criteria provided, multiple submitters, no conflicts (2 of 4 stars). 3 submissions from 3 submitters: Benign (1); Likely benign (2). Last evaluated 2025-12-24.

Conditions:
FOXP3-related disorder. Also called: FOXP3-related condition.
Insulin-dependent diabetes mellitus secretory diarrhea syndrome (IPEX). Also called: Immune dysregulation-polyendocrinopathy-enteropathy-X-linked syndrome; X-Linked Autoimmunity-Allergic Dysregulation Syndrome; IPEX and IPEX-Like; Immunodeficiency, Polyendocrinopathy, and Enteropathy X-Linked Syndrome; X-Linked Syndrome of Polyendocrinopathy, Immune Dysfunction, and Diarrhea; IMMUNODEFICIENCY, POLYENDOCRINOPATHY, AND ENTEROPATHY, X-LINKED. Identifiers: Orphanet 37042, MedGen C0342288, MONDO:0010580, OMIM 304790. Disease mechanism: loss of function.

Allele frequency attached by ClinVar (database versions not stated): gnomAD 0.00005 and 0.00006; ExAC 0.00007; gnomAD exomes 0.00007 and 0.00013; TOPMed 0.00010.
gnomAD v4.1: 148 of 1,209,860 alleles (0.012%); highest among the groups gnomAD compares: Non-Finnish European, 0.016%; no homozygotes.

Submissions (3):

Labcorp Genetics (formerly Invitae), Labcorp
Classification: Benign for Insulin-dependent diabetes mellitus secretory diarrhea syndrome. Last evaluated: 2025-12-24. Review status: criteria provided, single submitter. Criteria: Invitae Variant Classification Sherloc (09022015). Collection method: clinical testing. Allele origin: germline.

PreventionGenetics, part of Exact Sciences
Classification: Likely benign for FOXP3-related condition. Last evaluated: 2025-12-01. Review status: criteria provided, single submitter. Criteria: ACMG Guidelines, 2015. Collection method: clinical testing. Allele origin: germline.
Comment: This variant is classified as likely benign based on ACMG/AMP sequence variant interpretation guidelines (Richards et al. 2015 PMID: 25741868, with internal and published modifications).

Fulgent Genetics
Classification: Likely benign for Insulin-dependent diabetes mellitus secretory diarrhea syndrome. Last evaluated: 2021-11-30. Review status: criteria provided, single submitter. Criteria: ACMG Guidelines, 2015. Collection method: clinical testing. Allele origin: unknown.

NM_014009.4(FOXP3):c.1241G>A (p.Arg414His)

Gene: FOXP3 (forkhead box P3; minus strand). Cytogenetic location: Xp11.23.
Variant type: single nucleotide variant.
Coding change: c.1241G>A on transcript NM_014009.4 (MANE Select); coding-DNA position 1241, G replaced by A.
Protein change: p.Arg414His; replaces arginine 414 with histidine.
Molecular consequence: missense variant.
Genome position (GRCh38, 1-based): chrX:49,251,389, C>T on the plus strand (G>A on the coding strand, the complement: FOXP3 is on the minus strand). VCF-style: chrX-49251389-C-T. GRCh37 (hg19) VCF-style: chrX-49107850-C-T.
Other names: c.1136G>A, p.Arg379His (NM_001114377.2); short protein forms R414H, R379H.
Identifiers: ClinVar variation 763524 (VCV000763524.11), dbSNP rs782786757, ClinGen allele CA10411635.